The following is an entry in ClinVar:

NM_001354604.2(MITF):c.1237T>A (p.Cys413Ser)

Gene: MITF (melanocyte inducing transcription factor; plus strand). Cytogenetic location: 3p13.
Variant type: single nucleotide variant.
Coding change: c.1237T>A on transcript NM_001354604.2 (MANE Select); coding-DNA position 1237, T replaced by A.
Protein change: p.Cys413Ser; replaces cysteine 413 with serine.
Molecular consequence: missense variant.
Genome position (GRCh38, 1-based): chr3:69,964,904, T>A. VCF-style: chr3-69964904-T-A. GRCh37 (hg19) VCF-style: chr3-70014055-T-A.
Other names: c.916T>A, p.Cys306Ser (NM_000248.4); c.1063T>A, p.Cys355Ser (NM_001184967.2, NM_001354608.2); c.1234T>A, p.Cys412Ser (NM_001354605.2); c.1216T>A, p.Cys406Ser (NM_001354606.2, NM_006722.3); c.1168T>A, p.Cys390Ser (NM_001354607.2); c.898T>A, p.Cys300Ser (NM_198158.3); c.1219T>A, p.Cys407Ser (NM_198159.3); c.1171T>A, p.Cys391Ser (NM_198177.3); and 1 more; short protein forms C300S, C390S, C406S, C407S, C355S, C413S, C244S, C306S.
Identifiers: ClinVar variation 2921846 (VCV002921846.3), dbSNP rs1243480709, ClinGen allele CA353559418.
Genomic context (GRCh38, chr3:69,964,904, plus strand): 5'-TAGGAACTTGAAATGCAGGCTCGAGCTCATGGACTTTCCCTTATTCCATCCACGGGTCTC[T>A]GCTCTCCAGATTTGGTGAATCGGATCATCAAGCAAGAACCCGTTCTTGAGAACTGCAGCC-3'
Protein context (NP_001341533.1, residues 403-423): GLSLIPSTGL[Cys413Ser]SPDLVNRIIK

ClinVar aggregate classification (germline): Uncertain significance (1 of 4 stars; one submission).

Conditions:
Tietz syndrome (TADS). Also called: HYPOPIGMENTATION/DEAFNESS OF TIETZ; ALBINISM-DEAFNESS OF TIETZ; TIETZ ALBINISM-DEAFNESS SYNDROME. Identifiers: Orphanet 42665, MedGen C0391816, MONDO:0007077, OMIM 103500.
Melanoma, cutaneous malignant, susceptibility to, 8. Also called: Cutaneous malignant melanoma 8; MELANOMA AND RENAL CELL CARCINOMA, SUSCEPTIBILITY TO. Identifiers: Orphanet 293822, MedGen C3152204, MONDO:0013759, OMIM 614456.
Waardenburg syndrome type 2A (WS2A). Also called: WAARDENBURG SYNDROME WITHOUT DYSTOPIA CANTHORUM. Identifiers: Orphanet 3440, MedGen C1860339, MONDO:0008671, OMIM 193510.

Allele frequency attached by ClinVar (database versions not stated): TOPMed 0.00002.

Submission:

Labcorp Genetics (formerly Invitae), Labcorp
Classification: Uncertain significance for Melanoma, cutaneous malignant, susceptibility to, 8; Waardenburg syndrome type 2A; Tietz syndrome. Last evaluated: 2024-11-21. Review status: criteria provided, single submitter. Criteria: Invitae Variant Classification Sherloc (09022015). Collection method: clinical testing. Allele origin: germline.
Comment: This sequence change replaces cysteine, which is neutral and slightly polar, with serine, which is neutral and polar, at codon 306 of the MITF protein (p.Cys306Ser). This variant is not present in population databases (gnomAD no frequency). This variant has not been reported in the literature in individuals affected with MITF-related conditions. ClinVar contains an entry for this variant (Variation ID: 2921846). Invitae Evidence Modeling of protein sequence and biophysical properties (such as structural, functional, and spatial information, amino acid conservation, physicochemical variation, residue mobility, and thermodynamic stability) indicates that this missense variant is not expected to disrupt MITF protein function with a negative predictive value of 80%. Algorithms developed to predict the effect of sequence changes on RNA splicing suggest that this variant may create or strengthen a splice site. In summary, the available evidence is currently insufficient to determine the role of this variant in disease. Therefore, it has been classified as a Variant of Uncertain Significance.